The following is an entry in ClinVar:

NC_012920.1(MT-ND2):m.4843C>T

Gene: MT-ND2 (mitochondrially encoded NADH dehydrogenase 2; plus strand).
Variant type: single nucleotide variant.
Genome position: chrM-4843-C-T.
Identifiers: ClinVar variation 692513 (VCV000692513.1), dbSNP rs1556422913, ClinGen allele CA414776043.

ClinVar aggregate classification (germline): Benign (1 of 4 stars; one submission).

Conditions:
Leigh syndrome (NULS). Also called: Leigh's necrotizing encephalopathy; Leigh's disease; Leigh Syndrome (mtDNA deletion); Leigh Disease; Subacute necrotizing encephalopathy; Necrotizing encephalopathy infantile subacute of Leigh. Identifiers: Orphanet 506, MedGen C2931891, MONDO:0009723, OMIM 256000.

Submission:

Wong Mito Lab, Molecular and Human Genetics, Baylor College of Medicine
Classification: Benign for Leigh syndrome. Last evaluated: 2019-10-17. Review status: criteria provided, single submitter. Criteria: Modified ACMG Guidelines (Unpublished). Collection method: clinical testing. Allele origin: germline.
Comment: The NC_012920.1:m.4843C>T (YP_003024027.1:p.Thr125Met) variant in MTND2 gene is interpretated to be a Benign variant based on the modified ACMG guidelines (unpublished). This variant meets the following evidence codes: BS1, BS2, BP4